The following is an entry in ClinVar:

NM_001204375.2(NPR3):c.272G>C (p.Arg91Pro)

Genes: NPR3 (natriuretic peptide receptor 3; plus strand), LOC123493284 (Sharpr-MPRA regulatory region 158; plus strand). Cytogenetic location: 5p13.3.
Variant type: single nucleotide variant.
Coding change: c.272G>C on transcript NM_001204375.2 (MANE Select); coding-DNA position 272, G replaced by C.
Protein change: p.Arg91Pro; replaces arginine 91 with proline.
Molecular consequence: missense variant. On other transcripts: intron variant (4).
Genome position (GRCh38, 1-based): chr5:32,712,048, G>C. VCF-style: chr5-32712048-G-C. GRCh37 (hg19) VCF-style: chr5-32712154-G-C.
Other names: c.272G>C, p.Arg91Pro (NM_000908.4); c.50-12650G>C (NM_001364458.2); c.121+1265G>C (NM_001363652.2, NM_001204376.2, NM_001364460.2); short protein forms R91P.
Identifiers: ClinVar variation 2080201 (VCV002080201.1), dbSNP rs374859010, ClinGen allele CA3222344.

ClinVar aggregate classification (germline): Uncertain significance (1 of 4 stars; one submission).

Allele frequency attached by ClinVar (database versions not stated): ExAC 0.00003; gnomAD 0.00005; ESP Exome Variant Server 0.00008.
gnomAD v4.1: 151 of 1,613,844 alleles (0.0094%); highest among the groups gnomAD compares: Middle Eastern, 0.033%; no homozygotes.

Submission:

Labcorp Genetics (formerly Invitae), Labcorp
Classification: Uncertain significance. Last evaluated: 2022-07-28. Review status: criteria provided, single submitter. Criteria: Invitae Variant Classification Sherloc (09022015). Collection method: clinical testing. Allele origin: germline.
Comment: This sequence change replaces arginine, which is basic and polar, with proline, which is neutral and non-polar, at codon 91 of the NPR3 protein (p.Arg91Pro). This variant is present in population databases (rs374859010, gnomAD 0.01%). This variant has not been reported in the literature in individuals affected with NPR3-related conditions. Algorithms developed to predict the effect of missense changes on protein structure and function are either unavailable or do not agree on the potential impact of this missense change (SIFT: "Deleterious"; PolyPhen-2: "Benign"; Align-GVGD: "Class C0"). Studies have shown that this missense change does not significantly alter or has an unclear effect on NPR3 gene expression (PMID: 23493048). In summary, the available evidence is currently insufficient to determine the role of this variant in disease. Therefore, it has been classified as a Variant of Uncertain Significance.

Literature cited by the submitters: PubMed 23493048.